The following is an entry in ClinVar:

NM_000059.4(BRCA2):c.4206T>C (p.Asn1402=)

Gene: BRCA2 (BRCA2 DNA repair associated; plus strand). Cytogenetic location: 13q13.1.
Variant type: single nucleotide variant.
Coding change: c.4206T>C on transcript NM_000059.4 (MANE Select); coding-DNA position 4206, T replaced by C.
Protein change: p.Asn1402=; no amino-acid change (asparagine 1402 retained).
Molecular consequence: synonymous variant.
Genome position (GRCh38, 1-based): chr13:32,338,561, T>C. VCF-style: chr13-32338561-T-C. GRCh37 (hg19) VCF-style: chr13-32912698-T-C.
Identifiers: ClinVar variation 236864 (VCV000236864.23), dbSNP rs878853580, ClinGen allele CA10583101.
Genomic context (GRCh38, chr13:32,338,561, plus strand): 5'-AGATTTGTCAGATTTAACTTTTTTGGAAGTTGCGAAAGCTCAAGAAGCATGTCATGGTAA[T>C]ACTTCAAATAAAGAACAGTTAACTGCTACTAAAACGGAGCAAAATATAAAAGATTTTGAG-3'
Protein context (NP_000050.3, residues 1392-1412): VAKAQEACHG[Asn1402=]TSNKEQLTAT

ClinVar aggregate classification (germline): Likely benign. Review status: reviewed by expert panel (3 of 4 stars). 8 submissions from 8 submitters: Likely benign (1). 7 of the submissions do not count toward it. Last evaluated 2017-06-29.

Conditions:
Hereditary cancer-predisposing syndrome. Also called: Tumor predisposition; Hereditary Cancer Syndrome; Hereditary neoplastic syndrome; Neoplastic Syndromes, Hereditary. Identifiers: Orphanet 140162, MedGen C0027672, MeSH D009386, MONDO:0015356.
Hereditary breast ovarian cancer syndrome. Also called: Hereditary breast and ovarian cancer; Breast and ovarian cancer; BRCA1- and BRCA2-Associated Hereditary Breast and Ovarian Cancer; Hereditary breast and ovarian cancer syndrome; Hereditary breast and ovarian cancer syndrome (HBOC); Hereditary breast and/or ovarian cancer syndrome. Identifiers: Orphanet 145, MedGen C0677776, MeSH D061325, MONDO:0003582. Disease mechanism: loss of function.
Breast-ovarian cancer, familial, susceptibility to, 2 (BROVCA2). Also called: BRCA2 Hereditary Breast and Ovarian Cancer. Identifiers: Orphanet 145, MedGen C2675520, MONDO:0012933, OMIM 612555. Disease mechanism: loss of function.

Allele frequency attached by ClinVar (database versions not stated): gnomAD exomes below 0.00001; TOPMed below 0.00001.
gnomAD v4.1: 2 of 1,597,452 alleles (0.00013%); highest among the groups gnomAD compares: Admixed American, 0.0018%; no homozygotes.

Submissions (8):

Evidence-based Network for the Interpretation of Germline Mutant Alleles (ENIGMA)
Classification: Likely benign for Breast-ovarian cancer, familial, susceptibility to, 2. Last evaluated: 2017-06-29. Review status: reviewed by expert panel. Criteria: ENIGMA BRCA1/2 Classification Criteria (2017-06-29). Collection method: curation. Allele origin: germline.
Comment: Synonymous substitution variant, with low bioinformatic likelihood to result in a splicing aberration (Splicing prior probability 0.02).

Labcorp Genetics (formerly Invitae), Labcorp
Classification: Likely benign for Hereditary breast ovarian cancer syndrome. Last evaluated: 2025-07-30. Review status: criteria provided, single submitter. Criteria: Invitae Variant Classification Sherloc (09022015). Collection method: clinical testing. Allele origin: germline. Not counted in ClinVar's aggregate classification.

Color Diagnostics, LLC DBA Color Health
Classification: Likely benign for Hereditary cancer-predisposing syndrome. Last evaluated: 2023-11-29. Review status: criteria provided, single submitter. Criteria: ACMG Guidelines, 2015. Collection method: clinical testing. Allele origin: germline. Not counted in ClinVar's aggregate classification.

Quest Diagnostics Nichols Institute San Juan Capistrano
Classification: Likely benign. Last evaluated: 2023-04-11. Review status: criteria provided, single submitter. Criteria: Quest Diagnostics criteria. Collection method: clinical testing. Allele origin: unknown. Not counted in ClinVar's aggregate classification.

Women's Health and Genetics/Laboratory Corporation of America, LabCorp
Classification: Likely benign. Last evaluated: 2019-07-24. Review status: criteria provided, single submitter. Criteria: LabCorp Variant Classification Summary - May 2015. Collection method: clinical testing. Allele origin: germline. Not counted in ClinVar's aggregate classification.

Ambry Genetics
Classification: Likely benign for Hereditary cancer-predisposing syndrome. Last evaluated: 2016-07-18. Review status: criteria provided, single submitter. Criteria: Ambry Variant Classification Scheme 2023. Collection method: clinical testing. Allele origin: germline. Not counted in ClinVar's aggregate classification.

Genome Diagnostics Laboratory, University Medical Center Utrecht
Classification: Likely benign. Review status: no assertion criteria provided. Collection method: clinical testing. Allele origin: germline. Affected: yes. Study: VKGL Data-share Consensus. Not counted in ClinVar's aggregate classification.

Joint Genome Diagnostic Labs from Nijmegen and Maastricht, Radboudumc and MUMC+
Classification: Likely benign. Review status: no assertion criteria provided. Collection method: clinical testing. Allele origin: germline. Affected: yes. Study: VKGL Data-share Consensus. Not counted in ClinVar's aggregate classification.

Literature cited by the submitters: PubMed 30287823 (cited by Quest Diagnostics Nichols Institute San Juan Capistrano).